The following is an entry in ClinVar:

ClinVar aggregate classification (germline): Uncertain significance (1 of 4 stars; one submission).

Conditions:
Spinocerebellar ataxia 42, early-onset, severe, with neurodevelopmental deficits. Identifiers: MedGen C4748120, MONDO:0060758, OMIM 618087.

gnomAD v4.1: 10 of 1,613,608 alleles (0.00062%); highest among the groups gnomAD compares: South Asian, 0.0033%; no homozygotes.

Submission:

Neuberg Centre For Genomic Medicine, NCGM
Classification: Uncertain significance for Spinocerebellar ataxia 42, early-onset, severe, with neurodevelopmental deficits. Last evaluated: 2023-06-22. Review status: criteria provided, single submitter. Criteria: ACMG Guidelines, 2015. Collection method: clinical testing. Allele origin: germline. Inheritance: Autosomal dominant inheritance. Affected: yes.
Comment: The observed missense variant in gene has not been reported previously as a pathogenic variant nor as a benign variant, to our knowledge. This variant is reported with the allele frequency of 0.0008% in the gnomAD Exomes. The amino acid Arg at position 410 is changed to a Trp changing protein sequence and it might alter its composition and physico-chemical properties. The amino acid change p.Arg410Trp in CACNA1G is predicted as conserved by GERP++ and PhyloP across 100 vertebrates. Multiple lines of computational evidence (Polyphen - Possibly Damaging, SIFT - Damaging, and MutationTaster - Disease causing) predict a damaging effect on protein structure and function for this variant. For these reasons, this variant has been classified as Uncertain Significance.

NM_018896.5(CACNA1G):c.1228C>T (p.Arg410Trp)

Gene: CACNA1G (calcium voltage-gated channel subunit alpha1 G; plus strand). Cytogenetic location: 17q21.33.
Variant type: single nucleotide variant.
Coding change: c.1228C>T on transcript NM_018896.5 (MANE Select); coding-DNA position 1228, C replaced by T.
Protein change: p.Arg410Trp; replaces arginine 410 with tryptophan.
Molecular consequence: missense variant. On other transcripts: non-coding transcript variant (5).
Genome position (GRCh38, 1-based): chr17:50,575,630, C>T. VCF-style: chr17-50575630-C-T. GRCh37 (hg19) VCF-style: chr17-48652991-C-T.
Other names: c.1228C>T, p.Arg410Trp (NM_001256324.2, NM_001256325.2, NM_001256326.2 and 24 more transcripts); short protein forms R410W.
Identifiers: ClinVar variation 3377675 (VCV003377675.1).